The following is an entry in ClinVar:

NM_017946.4(FKBP14):c.454G>A (p.Asp152Asn)

Genes: FKBP14 (FKBP prolyl isomerase 14; minus strand), FKBP14-AS1 (FKBP14 antisense RNA 1; plus strand). Cytogenetic location: 7p14.3.
Variant type: single nucleotide variant.
Coding change: c.454G>A on transcript NM_017946.4 (MANE Select); coding-DNA position 454, G replaced by A.
Protein change: p.Asp152Asn; replaces aspartic acid 152 with asparagine.
Molecular consequence: missense variant. On other transcripts: non-coding transcript variant (2).
Genome position (GRCh38, 1-based): chr7:30,019,019, C>T on the plus strand (G>A on the coding strand, the complement: FKBP14 is on the minus strand). VCF-style: chr7-30019019-C-T. GRCh37 (hg19) VCF-style: chr7-30058635-C-T.
Other names: short protein forms D152N.
Identifiers: ClinVar variation 3278936 (VCV003278936.1).

ClinVar aggregate classification (germline): Uncertain significance (1 of 4 stars; one submission).

Conditions:
Cardiovascular phenotype. Identifiers: MedGen CN230736.

gnomAD v4.1: 8 of 1,609,008 alleles (0.0005%); highest among the groups gnomAD compares: Non-Finnish European, 0.00059%; no homozygotes.

Submission:

Ambry Genetics
Classification: Uncertain significance for Cardiovascular phenotype. Last evaluated: 2024-05-02. Review status: criteria provided, single submitter. Criteria: Ambry Variant Classification Scheme 2023. Collection method: clinical testing. Allele origin: germline.
Comment: The p.D152N variant (also known as c.454G>A), located in coding exon 3 of the FKBP14 gene, results from a G to A substitution at nucleotide position 454. The aspartic acid at codon 152 is replaced by asparagine, an amino acid with highly similar properties. This amino acid position is conserved. In addition, this alteration is predicted to be tolerated by in silico analysis. Based on the available evidence, the clinical significance of this variant remains unclear.